The following is an entry in ClinVar:

ClinVar aggregate classification (germline): Likely pathogenic (1 of 4 stars; one submission).

Conditions:
Hereditary cancer-predisposing syndrome. Also called: Neoplastic Syndromes, Hereditary; Tumor predisposition; Hereditary Cancer Syndrome; Hereditary neoplastic syndrome. Identifiers: Orphanet 140162, MedGen C0027672, MeSH D009386, MONDO:0015356.

Submission:

Ambry Genetics
Classification: Likely pathogenic for Hereditary cancer-predisposing syndrome. Last evaluated: 2026-02-11. Review status: criteria provided, single submitter. Criteria: Ambry Variant Classification Scheme 2023. Collection method: clinical testing. Allele origin: germline.
Comment: The c.3168+1G>C intronic variant results from a G to C substitution one nucleotide after coding exon 18 of the PTCH1 gene. This variant was reported in individuals with features consistent with PTCH1-related nevoid basal cell carcinoma syndrome (Ambry internal data). This nucleotide position is highly conserved in available vertebrate species. In silico splice site analysis predicts that this alteration will weaken the native splice donor site. RNA studies have demonstrated that this variant results in abnormal splicing in the set of samples tested (Ambry internal data). This variant is considered to be rare based on population cohorts in the Genome Aggregation Database (gnomAD). Based on the majority of available evidence to date, this variant is likely to be pathogenic.

NM_000264.5(PTCH1):c.3168+1G>C

Gene: PTCH1 (patched 1; minus strand). Cytogenetic location: 9q22.32.
Variant type: single nucleotide variant.
Coding change: c.3168+1G>C on transcript NM_000264.5 (MANE Select); the canonical splice donor site of the intron after coding-DNA position 3168, G replaced by C.
Molecular consequence: splice donor variant.
Genome position (GRCh38, 1-based): chr9:95,458,012, C>G on the plus strand (G>C on the coding strand, the complement: PTCH1 is on the minus strand). VCF-style: chr9-95458012-C-G. GRCh37 (hg19) VCF-style: chr9-98220294-C-G.
Other names: c.3165+1G>C (NM_001083603.3); c.2970+1G>C (NM_001083602.3); c.3012+1G>C (NM_001354918.2); c.2715+1G>C (NM_001083605.3, NM_001083604.3, NM_001083606.3 and 1 more transcripts).
Identifiers: ClinVar variation 4845077 (VCV004845077.1).
Genomic context (GRCh38, chr9:95,458,012, plus strand): 5'-TGCAGAAAGAGCTATGCTGAAAGGAATTTGACTTCCACAAAGCCCCTTATAATACACTCA[C>G]AATGATCCCGGCCGTCCAGGGGTTCAGAAGGAAGACAGCGCACACGAGGAATGTGCAGGC-3'